The following is an entry in ClinVar:

NM_199242.3(UNC13D):c.2813T>A (p.Leu938Gln)

Genes: UNC13D (unc-13 homolog D; minus strand), LOC112533672 (Sharpr-MPRA regulatory region 1193; plus strand). Cytogenetic location: 17q25.1.
Variant type: single nucleotide variant.
Coding change: c.2813T>A on transcript NM_199242.3 (MANE Select); coding-DNA position 2813, T replaced by A.
Protein change: p.Leu938Gln; replaces leucine 938 with glutamine.
Molecular consequence: missense variant.
Genome position (GRCh38, 1-based): chr17:75,830,379, A>T on the plus strand (T>A on the coding strand, the complement: UNC13D is on the minus strand). VCF-style: chr17-75830379-A-T. GRCh37 (hg19) VCF-style: chr17-73826460-A-T.
Other names: short protein forms L938Q.
Identifiers: ClinVar variation 1356032 (VCV001356032.3), dbSNP rs368779636, ClinGen allele CA8772384.

ClinVar aggregate classification (germline): Uncertain significance (1 of 4 stars; one submission).

Conditions:
Familial hemophagocytic lymphohistiocytosis 3 (FHL3). Also called: UNC13D-Related Familial Hemophagocytic Lymphohistiocytosis (UNC13D-fHLH). Identifiers: Orphanet 540, MedGen C1837174, MONDO:0012146, OMIM 608898.

Allele frequency attached by ClinVar (database versions not stated): gnomAD exomes 0.00002; ExAC 0.00004; gnomAD 0.00004 and 0.00005; TOPMed 0.00005; ESP Exome Variant Server 0.00015.
gnomAD v4.1: 51 of 1,591,560 alleles (0.0032%); highest among the groups gnomAD compares: Non-Finnish European, 0.0042%; no homozygotes.

Submission:

Labcorp Genetics (formerly Invitae), Labcorp
Classification: Uncertain significance for Familial hemophagocytic lymphohistiocytosis 3. Last evaluated: 2022-08-09. Review status: criteria provided, single submitter. Criteria: Invitae Variant Classification Sherloc (09022015). Collection method: clinical testing. Allele origin: germline.
Comment: This sequence change replaces leucine with glutamine at codon 938 of the UNC13D protein (p.Leu938Gln). The leucine residue is moderately conserved and there is a moderate physicochemical difference between leucine and glutamine This variant is present in population databases (rs368779636, gnomAD 0.005%). This variant has not been reported in the literature in individuals affected with UNC13D-related conditions. ClinVar contains an entry for this variant (Variation ID: 1356032). Algorithms developed to predict the effect of missense changes on protein structure and function are either unavailable or do not agree on the potential impact of this missense change (SIFT: "Not Available"; PolyPhen-2: "Possibly Damaging"; Align-GVGD: "Not Available"). In summary, the available evidence is currently insufficient to determine the role of this variant in disease. Therefore, it has been classified as a Variant of Uncertain Significance.